The following is an entry in ClinVar:

NM_004415.4(DSP):c.621G>A (p.Trp207Ter)

Gene: DSP (desmoplakin; plus strand). Cytogenetic location: 6p24.3.
Variant type: single nucleotide variant.
Coding change: c.621G>A on transcript NM_004415.4 (MANE Select); coding-DNA position 621, G replaced by A.
Protein change: p.Trp207Ter; replaces tryptophan 207 with a stop codon.
Molecular consequence: nonsense.
Genome position (GRCh38, 1-based): chr6:7,562,675, G>A. VCF-style: chr6-7562675-G-A. GRCh37 (hg19) VCF-style: chr6-7562908-G-A.
Other names: c.621G>A, p.Trp207Ter (NM_001008844.3, NM_001319034.2); short protein forms W207*.
Identifiers: ClinVar variation 930487 (VCV000930487.3), dbSNP rs1758734763, ClinGen allele CA362673150.

ClinVar aggregate classification (germline): Likely pathogenic (1 of 4 stars; one submission).

Conditions:
Keratosis palmoplantaris striata 2. Also called: KERATODERMA, PALMOPLANTAR, STRIATE FORM II; STRIATE PALMOPLANTAR KERATODERMA II; Keratosis palmoplantaris striata II. Identifiers: MedGen C1852127, MONDO:0013034, OMIM 612908.

Submission:

Centre for Mendelian Genomics, University Medical Centre Ljubljana
Classification: Likely pathogenic for Keratosis palmoplantaris striata 2. Last evaluated: 2019-07-08. Review status: criteria provided, single submitter. Criteria: ACMG Guidelines, 2015. Collection method: clinical testing. Allele origin: unknown. Affected: yes.
Comment: This variant was classified as: Likely pathogenic. The following ACMG criteria were applied in classifying this variant: PVS1,PM2.